The following is an entry in ClinVar:

NM_144672.4(OTOA):c.2207+8G>C

Gene: OTOA (otoancorin). Cytogenetic location: 16p12.2.
Variant type: single nucleotide variant.
Coding change: c.2207+8G>C on transcript NM_144672.4 (MANE Select); 8 bases into the intron after coding-DNA position 2207, G replaced by C.
Molecular consequence: intron variant.
Genome position (GRCh38, 1-based): chr16:21,728,439, G>C. VCF-style: chr16-21728439-G-C. GRCh37 (hg19) VCF-style: chr16-21739760-G-C.
Other names: c.1970+8G>C (NM_001161683.2); c.1235+8G>C (NM_170664.3).
Identifiers: ClinVar variation 681020 (VCV000681020.4), dbSNP rs201231126, ClinGen allele CA7952913.

ClinVar aggregate classification (germline): Likely benign. Review status: criteria provided, multiple submitters, no conflicts (2 of 4 stars). 2 submissions from 2 submitters: Likely benign (2). Last evaluated 2025-09-22.

Allele frequency attached by ClinVar (database versions not stated): gnomAD 0.00004 and 0.00003; ESP Exome Variant Server 0.00008; 1000 Genomes Project 30x 0.00047; TOPMed 0.00004; ExAC 0.00006; 1000 Genomes Project 0.00040.
gnomAD v4.1: 141 of 1,613,122 alleles (0.0087%); highest among the groups gnomAD compares: Non-Finnish European, 0.011%; no homozygotes.

Submissions (2):

Labcorp Genetics (formerly Invitae), Labcorp
Classification: Likely benign. Last evaluated: 2025-09-22. Review status: criteria provided, single submitter. Criteria: Invitae Variant Classification Sherloc (09022015). Collection method: clinical testing. Allele origin: germline.

GeneDx
Classification: Likely benign. Last evaluated: 2018-05-31. Review status: criteria provided, single submitter. Criteria: GeneDx Variant Classification (06012015). Collection method: clinical testing. Allele origin: germline. Affected: yes.
Comment: This variant is considered likely benign or benign based on one or more of the following criteria: it is a conservative change, it occurs at a poorly conserved position in the protein, it is predicted to be benign by multiple in silico algorithms, and/or has population frequency not consistent with disease.